The following is an entry in ClinVar:

NM_001943.5(DSG2):c.2761_2764dup (p.Thr922fs)

Genes: DSG2 (desmoglein 2; plus strand), DSG2-AS1 (DSG2 antisense RNA 1; minus strand). Cytogenetic location: 18q12.1.
Variant type: Duplication.
Coding change: c.2761_2764dup on transcript NM_001943.5 (MANE Select); coding-DNA positions 2761 to 2764, 4 bases duplicated (GCTA; older notation c.2761_2764dupGCTA).
Protein change: p.Thr922fs; shifts the reading frame from threonine 922.
Molecular consequence: frameshift variant.
Genome position (GRCh38, 1-based): chr18:31,546,147-31,546,150, GCTA duplicated; duplicating any 4 consecutive bases within chr18:31,546,145-31,546,150 gives the same sequence; the c. name uses the placement nearest the transcript's 3' end. VCF-style (leftmost placement, unchanged base first): chr18-31546144-G-GTAGC. GRCh37 (hg19) VCF-style: chr18-29126107-G-GTAGC.
Other names: c.2761_2764dupGCTA (NM_001943.3); c.2761_2764dup (LRG_397t1); short protein forms T922fs.
Identifiers: ClinVar variation 567765 (VCV000567765.31), dbSNP rs1567934720, ClinGen allele CA891843560.

ClinVar aggregate classification (germline): Conflicting classifications of pathogenicity. Review status: criteria provided, conflicting classifications (1 of 4 stars). 4 submissions from 4 submitters: Pathogenic (1); Likely pathogenic (1); Uncertain significance (2). Last evaluated 2025-03-25.

Conditions:
Cardiovascular phenotype. Identifiers: MedGen CN230736.
Arrhythmogenic right ventricular cardiomyopathy (ARVD). Also called: Arrhythmogenic Right Ventricular Cardiomyopathy (ARVC); Arrhythmogenic cardiomyopathy; Cardiomyopathy, ARVC; Arrhythmogenic right ventricular dysplasia. Identifiers: Orphanet 247, MedGen C0349788, MeSH D019571, MONDO:0016587. Disease mechanism: loss of function. Inheritance: Various modes of inheritance.
Arrhythmogenic right ventricular dysplasia 10. Also called: Arrhythmogenic Right Ventricular Dysplasia/Cardiomyopathy10; ARRHYTHMOGENIC RIGHT VENTRICULAR DYSPLASIA, FAMILIAL, 10; Arrhythmogenic right ventricular dysplasia/cardiomyopathy, type 10. Identifiers: MedGen C1857777, MONDO:0012434, OMIM 610193.

Submissions (4):

Ambry Genetics
Classification: Uncertain significance for Cardiovascular phenotype. Last evaluated: 2025-03-25. Review status: criteria provided, single submitter. Criteria: Ambry Variant Classification Scheme 2023. Collection method: clinical testing. Allele origin: germline.
Comment: The c.2761_2764dupGCTA variant, located in coding exon 15 of the DSG2 gene, results from a duplication of GCTA at nucleotide position 2761, causing a translational frameshift with a predicted alternate stop codon (p.T922Sfs*6). This alteration occurs at the 3' terminus of theDSG2 gene, is not expected to trigger nonsense-mediated mRNAdecay, and impacts the last 17% of the protein. The exact functional effect of this alteration is unknown. Based on the available evidence, the clinical significance of this variant remains unclear.

All of Us Research Program, National Institutes of Health
Classification: Uncertain significance for Arrhythmogenic right ventricular cardiomyopathy. Last evaluated: 2023-11-28. Review status: criteria provided, single submitter. Criteria: ACMG Guidelines, 2015. Collection method: clinical testing. Allele origin: germline. Inheritance: Autosomal dominant inheritance. Observed: 1 variant allele, 1 heterozygote.
Comment: This study involves interpretation of variants in research participants for the purpose of population health screening. Participant phenotype was not available at the time of variant classification. Additional details can be found in publication PMID: 35346344, PMCID: PMC8962531

CeGaT Center for Human Genetics Tuebingen
Classification: Likely pathogenic. Last evaluated: 2023-07-01. Review status: criteria provided, single submitter. Criteria: CeGaT Center For Human Genetics Tuebingen Variant Classification Criteria Version 2. Collection method: clinical testing. Allele origin: germline. Affected: yes. Observed: 1 variant allele.
Comment: DSG2: PVS1:Strong, PM2, PS4:Supporting

Labcorp Genetics (formerly Invitae), Labcorp
Classification: Pathogenic for Arrhythmogenic right ventricular dysplasia 10. Last evaluated: 2023-01-28. Review status: criteria provided, single submitter. Criteria: Invitae Variant Classification Sherloc (09022015). Collection method: clinical testing. Allele origin: germline.
Comment: This variant has not been reported in the literature in individuals affected with DSG2-related conditions. This sequence change creates a premature translational stop signal (p.Thr922Serfs*6) in the DSG2 gene. While this is not anticipated to result in nonsense mediated decay, it is expected to disrupt the last 197 amino acid(s) of the DSG2 protein. This variant is not present in population databases (gnomAD no frequency). ClinVar contains an entry for this variant (Variation ID: 567765). This variant disrupts a region of the DSG2 protein in which other variant(s) (p.Glu1020Alafs*18) have been determined to be pathogenic (PMID: 20864495, 21397041, 23381804). This suggests that this is a clinically significant region of the protein, and that variants that disrupt it are likely to be disease-causing. For these reasons, this variant has been classified as Pathogenic.

Literature cited by the submitters: PubMed 20864495 (cited by Labcorp Genetics (formerly Invitae), Labcorp); PubMed 21397041 (cited by Labcorp Genetics (formerly Invitae), Labcorp); PubMed 23381804 (cited by Labcorp Genetics (formerly Invitae), Labcorp).